The following is an entry in ClinVar:

ClinVar aggregate classification (germline): Conflicting classifications of pathogenicity. Review status: criteria provided, conflicting classifications (1 of 4 stars). 4 submissions from 4 submitters: Uncertain significance (3); Likely benign (1). Last evaluated 2026-04-28.

Conditions:
Gorlin syndrome. Also called: Basal cell nevus syndrome; Nevoid Basal Cell Carcinoma Syndrome. Identifiers: Orphanet 377, MedGen C0004779, MONDO:0007187.
Hereditary cancer-predisposing syndrome. Also called: Tumor predisposition; Hereditary neoplastic syndrome; Neoplastic Syndromes, Hereditary; Hereditary Cancer Syndrome. Identifiers: Orphanet 140162, MedGen C0027672, MeSH D009386, MONDO:0015356.
Inborn genetic diseases. Identifiers: MedGen C0950123, MeSH D030342.
Basal cell carcinoma, susceptibility to, 1. Also called: BCC1. Identifiers: MedGen C2751544, MONDO:0011556, OMIM 605462.
Holoprosencephaly 7 (HPE7). Identifiers: Orphanet 2162, MedGen C1835820, MONDO:0012562, OMIM 610828.

Allele frequency attached by ClinVar (database versions not stated): ExAC 0.00001; gnomAD exomes 0.00001; gnomAD 0.00002; TOPMed 0.00002.
gnomAD v4.1: 12 of 1,614,052 alleles (0.00074%); highest among the groups gnomAD compares: African/African-American, 0.0027%; no homozygotes.

Submissions (4):

Wales Gene Park, Division Of Cancer and Genetics, Cardiff University
Classification: Uncertain significance for Inborn genetic diseases. Last evaluated: 2026-04-28. Review status: criteria provided, single submitter. Criteria: ACGS Best Practice Guidelines for Variant Classification in Rare Disease 2024. Collection method: research. Allele origin: de novo. Inheritance: Autosomal dominant inheritance. Study: 100,000 Genomes Project (Wales).
Comment: De novo PTCH1 missense variant detected by trio genome sequencing. Present in gnomAD (v4.1.1, 12 alleles). REVEL score 0.743. Phenotype consistent with gene but not highly specific and high genetic heterogeneity. Constrained gene (gnomAD missense Z score 3.14). Evidence codes: PS2_supporting, PP3, PP2.

Labcorp Genetics (formerly Invitae), Labcorp
Classification: Likely benign for Gorlin syndrome. Last evaluated: 2026-01-08. Review status: criteria provided, single submitter. Criteria: Invitae Variant Classification Sherloc (09022015). Collection method: clinical testing. Allele origin: germline.

Ambry Genetics
Classification: Uncertain significance for Hereditary cancer-predisposing syndrome. Last evaluated: 2025-04-08. Review status: criteria provided, single submitter. Criteria: Ambry Variant Classification Scheme 2023. Collection method: clinical testing. Allele origin: germline.
Comment: The p.V1042M variant (also known as c.3124G>A), located in coding exon 18 of the PTCH1 gene, results from a G to A substitution at nucleotide position 3124. The valine at codon 1042 is replaced by methionine, an amino acid with highly similar properties. This amino acid position is highly conserved in available vertebrate species. In addition, this alteration is predicted to be deleterious by in silico analysis. Since supporting evidence is limited at this time, the clinical significance of this alteration remains unclear.

Fulgent Genetics
Classification: Uncertain significance for Basal cell nevus syndrome 1; Basal cell carcinoma, susceptibility to, 1; Holoprosencephaly 7. Last evaluated: 2022-04-08. Review status: criteria provided, single submitter. Criteria: ACMG Guidelines, 2015. Collection method: clinical testing. Allele origin: unknown.

NM_000264.5(PTCH1):c.3124G>A (p.Val1042Met)

Gene: PTCH1 (patched 1; minus strand). Cytogenetic location: 9q22.32.
Variant type: single nucleotide variant.
Coding change: c.3124G>A on transcript NM_000264.5 (MANE Select); coding-DNA position 3124, G replaced by A.
Protein change: p.Val1042Met; replaces valine 1042 with methionine.
Molecular consequence: missense variant. On other transcripts: non-coding transcript variant (1).
Genome position (GRCh38, 1-based): chr9:95,458,057, C>T on the plus strand (G>A on the coding strand, the complement: PTCH1 is on the minus strand). VCF-style: chr9-95458057-C-T. GRCh37 (hg19) VCF-style: chr9-98220339-C-T.
Other names: c.2926G>A, p.Val976Met (NM_001083602.3); c.3121G>A, p.Val1041Met (NM_001083603.3); c.2671G>A, p.Val891Met (NM_001083604.3, NM_001083605.3, NM_001083606.3 and 1 more transcripts); c.2968G>A, p.Val990Met (NM_001354918.2); short protein forms V976M, V1042M, V1041M, V891M, V990M.
Identifiers: ClinVar variation 221158 (VCV000221158.17), dbSNP rs772406487, ClinGen allele CA348810.